The following is an entry in ClinVar:

NM_004656.4(BAP1):c.515G>C (p.Ser172Thr)

Gene: BAP1 (BRCA1 associated deubiquitinase 1; minus strand). Cytogenetic location: 3p21.1.
Variant type: single nucleotide variant.
Coding change: c.515G>C on transcript NM_004656.4 (MANE Select); coding-DNA position 515, G replaced by C.
Protein change: p.Ser172Thr; replaces serine 172 with threonine.
Molecular consequence: missense variant.
Genome position (GRCh38, 1-based): chr3:52,407,239, C>G on the plus strand (G>C on the coding strand, the complement: BAP1 is on the minus strand). VCF-style: chr3-52407239-C-G. GRCh37 (hg19) VCF-style: chr3-52441255-C-G.
Other names: c.515G>C, p.Ser172Thr (NM_001410772.1); short protein forms S172T.
Identifiers: ClinVar variation 3224471 (VCV003224471.1), dbSNP rs2153227816, ClinGen allele CA353109873.
Genomic context (GRCh38, chr3:52,407,239, plus strand): 5'-TCAATGGGGTAGACCTTCAGCCCATCCAGCTCAAAGAGCCGGCCTGTGATAGGCACATAG[C>G]TGACAAAGTGGAACGCCTCCATGGTCCGCACTGCACTAAGGCCATTCTGCTTCTCAGGGA-3'
Protein context (NP_004647.1, residues 162-182): VRTMEAFHFV[Ser172Thr]YVPITGRLFE

ClinVar aggregate classification (germline): Uncertain significance (1 of 4 stars; one submission).

Conditions:
Hereditary cancer-predisposing syndrome. Also called: Tumor predisposition; Hereditary neoplastic syndrome; Hereditary Cancer Syndrome; Neoplastic Syndromes, Hereditary. Identifiers: Orphanet 140162, MedGen C0027672, MeSH D009386, MONDO:0015356.

Submission:

Ambry Genetics
Classification: Uncertain significance for Hereditary cancer-predisposing syndrome. Last evaluated: 2023-11-30. Review status: criteria provided, single submitter. Criteria: Ambry Variant Classification Scheme 2023. Collection method: clinical testing. Allele origin: germline.
Comment: The p.S172T variant (also known as c.515G>C), located in coding exon 7 of the BAP1 gene, results from a G to C substitution at nucleotide position 515. The serine at codon 172 is replaced by threonine, an amino acid with similar properties. This amino acid position is conserved. In addition, the in silico prediction for this alteration is inconclusive. Since supporting evidence is limited at this time, the clinical significance of this alteration remains unclear.